The following is an entry in ClinVar:

NM_001085487.3(MYSM1):c.1194dup (p.Glu399Ter)

Gene: MYSM1 (Myb like, SWIRM and MPN domains 1; minus strand). Cytogenetic location: 1p32.1.
Variant type: Duplication.
Coding change: c.1194dup on transcript NM_001085487.3 (MANE Select); coding-DNA position 1194, one base duplicated (T; older notation c.1194dupT).
Protein change: p.Glu399Ter; replaces glutamic acid 399 with a stop codon.
Molecular consequence: nonsense.
Genome position (GRCh38, 1-based): chr1:58,681,850, A duplicated on the plus strand (T on the coding strand, the reverse complement: MYSM1 is on the minus strand); the first of 6 consecutive A bases (chr1:58,681,850-58,681,855); duplicating any one gives the same sequence. VCF-style (leftmost placement, unchanged base first): chr1-58681849-C-CA. GRCh37 (hg19) VCF-style: chr1-59147521-C-CA.
Other names: short protein forms E399*.
Identifiers: ClinVar variation 4810970 (VCV004810970.1).
Genomic context (GRCh38, chr1:58,681,849, plus strand): 5'-GATCCAAAATATAATTTCTAATTTTCAAATAGCGTTCTGGTGTTTTAGCTTGGCGCCCCT[C>CA]AAAAAACTCAGGAATTGCTTGTTTTTCTTCTTCTTGAATGATATTTCTATCTATTTCTAT-3'

ClinVar aggregate classification (germline): Pathogenic (1 of 4 stars; one submission).

Submission:

Labcorp Genetics (formerly Invitae), Labcorp
Classification: Pathogenic. Last evaluated: 2025-11-12. Review status: criteria provided, single submitter. Criteria: Invitae Variant Classification Sherloc (09022015). Collection method: clinical testing. Allele origin: germline.
Comment: This sequence change creates a premature translational stop signal (p.Glu399*) in the MYSM1 gene. It is expected to result in an absent or disrupted protein product. Loss-of-function variants in MYSM1 are known to be pathogenic (PMID: 24288411, 28115216). This variant is not present in population databases (gnomAD no frequency). This variant has not been reported in the literature in individuals affected with MYSM1-related conditions. Algorithms developed to predict the effect of sequence changes on RNA splicing suggest that this variant may disrupt the consensus splice site. For these reasons, this variant has been classified as Pathogenic.

Literature cited by the submitters: PubMed 24288411; PubMed 28115216.